The following is an entry in ClinVar:

NM_022552.5(DNMT3A):c.2591T>C (p.Met864Thr)

Gene: DNMT3A (DNA methyltransferase 3 alpha; minus strand). Cytogenetic location: 2p23.3.
Variant type: single nucleotide variant.
Coding change: c.2591T>C on transcript NM_022552.5 (MANE Select); coding-DNA position 2591, T replaced by C.
Protein change: p.Met864Thr; replaces methionine 864 with threonine.
Molecular consequence: missense variant. On other transcripts: non-coding transcript variant (1).
Genome position (GRCh38, 1-based): chr2:25,235,713, A>G on the plus strand (T>C on the coding strand, the complement: DNMT3A is on the minus strand). VCF-style: chr2-25235713-A-G. GRCh37 (hg19) VCF-style: chr2-25458582-A-G.
Other names: c.2135T>C, p.Met712Thr (NM_001320893.1); c.1922T>C, p.Met641Thr (NM_001375819.1); c.2024T>C, p.Met675Thr (NM_153759.3); c.2591T>C, p.Met864Thr (NM_175629.2); short protein forms M712T, M864T, M641T, M675T.
Identifiers: ClinVar variation 4013910 (VCV004013910.1).

ClinVar aggregate classification (germline): Uncertain significance (1 of 4 stars; one submission).

Conditions:
Inborn genetic diseases. Identifiers: MedGen C0950123, MeSH D030342.

Submission:

Ambry Genetics
Classification: Uncertain significance for Inborn genetic diseases. Last evaluated: 2025-04-12. Review status: criteria provided, single submitter. Criteria: Ambry Variant Classification Scheme 2023. Collection method: clinical testing. Allele origin: germline.
Comment: The p.M864T variant (also known as c.2591T>C), located in coding exon 21 of the DNMT3A gene, results from a T to C substitution at nucleotide position 2591. The methionine at codon 864 is replaced by threonine, an amino acid with similar properties. This amino acid position is conserved. In addition, this alteration is predicted to be deleterious by in silico analysis. Based on the available evidence, the clinical significance of this variant remains unclear.